The following is an entry in ClinVar:

ClinVar aggregate classification (germline): Uncertain significance (1 of 4 stars; one submission).

Allele frequency attached by ClinVar (database versions not stated): gnomAD exomes below 0.00001.
gnomAD v4.1: 1 of 1,612,762 alleles (0.000062%); highest among the groups gnomAD compares: Non-Finnish European, 0.000085%; no homozygotes.

Submission:

GeneDx
Classification: Uncertain significance. Last evaluated: 2022-07-29. Review status: criteria provided, single submitter. Criteria: GeneDx Variant Classification Process June 2021. Collection method: clinical testing. Allele origin: germline. Affected: yes.
Comment: Not observed at significant frequency in large population cohorts (gnomAD); In silico analysis supports that this missense variant does not alter protein structure/function; Has not been previously published as pathogenic or benign to our knowledge

NM_017802.4(DNAAF5):c.2565G>T (p.Gln855His)

Gene: DNAAF5 (dynein axonemal assembly factor 5; plus strand). Cytogenetic location: 7p22.3.
Variant type: single nucleotide variant.
Coding change: c.2565G>T on transcript NM_017802.4 (MANE Select); coding-DNA position 2565, G replaced by T.
Protein change: p.Gln855His; replaces glutamine 855 with histidine.
Molecular consequence: missense variant. On other transcripts: non-coding transcript variant (1).
Genome position (GRCh38, 1-based): chr7:785,650, G>T. VCF-style: chr7-785650-G-T. GRCh37 (hg19) VCF-style: chr7-825287-G-T.
Other names: short protein forms Q855H.
Identifiers: ClinVar variation 2412839 (VCV002412839.3), dbSNP rs2484204959, ClinGen allele CA366528619.